The following is an entry in ClinVar:

ClinVar aggregate classification (germline): Uncertain significance (1 of 4 stars; one submission).

Conditions:
Arrhythmogenic cardiomyopathy with wooly hair and keratoderma. Also called: PALMOPLANTAR KERATODERMA WITH LEFT VENTRICULAR CARDIOMYOPATHY AND WOOLLY HAIR; Carvajal syndrome; Dilated cardiomyopathy with woolly hair and keratoderma; Arrhythmogenic cardiomyopathy with woolly hair and keratoderma. Identifiers: Orphanet 65282, MedGen C1854063, MONDO:0011581, OMIM 605676.
Arrhythmogenic right ventricular dysplasia 8 (ARVD8). Also called: Arrhythmogenic Right Ventricular Dysplasia/Cardiomyopathy 8; ARRHYTHMOGENIC RIGHT VENTRICULAR DYSPLASIA, FAMILIAL, 8; ARRHYTHMOGENIC RIGHT VENTRICULAR CARDIOMYOPATHY 8. Identifiers: MedGen C1843896, MONDO:0011831, OMIM 607450.

Submission:

Labcorp Genetics (formerly Invitae), Labcorp
Classification: Uncertain significance for Arrhythmogenic cardiomyopathy with wooly hair and keratoderma; Arrhythmogenic right ventricular dysplasia 8. Last evaluated: 2024-12-09. Review status: criteria provided, single submitter. Criteria: Invitae Variant Classification Sherloc (09022015). Collection method: clinical testing. Allele origin: germline.
Comment: This sequence change replaces glutamine, which is neutral and polar, with histidine, which is basic and polar, at codon 473 of the DSP protein (p.Gln473His). This variant also falls at the last nucleotide of exon 11, which is part of the consensus splice site for this exon. This variant is not present in population databases (gnomAD no frequency). This variant has not been reported in the literature in individuals affected with DSP-related conditions. An algorithm developed to predict the effect of missense changes on protein structure and function (PolyPhen-2) suggests that this variant is likely to be tolerated. Variants that disrupt the consensus splice site are a relatively common cause of aberrant splicing (PMID: 17576681, 9536098). Algorithms developed to predict the effect of sequence changes on RNA splicing suggest that this variant may disrupt the consensus splice site. In summary, the available evidence is currently insufficient to determine the role of this variant in disease. Therefore, it has been classified as a Variant of Uncertain Significance.

Literature cited by the submitters: PubMed 17576681; PubMed 9536098.

NM_004415.4(DSP):c.1419G>T (p.Gln473His)

Gene: DSP (desmoplakin; plus strand). Cytogenetic location: 6p24.3.
Variant type: single nucleotide variant.
Coding change: c.1419G>T on transcript NM_004415.4 (MANE Select); coding-DNA position 1419, G replaced by T.
Protein change: p.Gln473His; replaces glutamine 473 with histidine.
Molecular consequence: missense variant.
Genome position (GRCh38, 1-based): chr6:7,568,589, G>T. VCF-style: chr6-7568589-G-T. GRCh37 (hg19) VCF-style: chr6-7568822-G-T.
Other names: c.1419G>T, p.Gln473His (NM_001008844.3, NM_001319034.2, NM_001406591.1); short protein forms Q473H.
Identifiers: ClinVar variation 3759966 (VCV003759966.2).